The following is an entry in ClinVar:

ClinVar aggregate classification (germline): Likely pathogenic. Review status: criteria provided, multiple submitters, no conflicts (2 of 4 stars). 2 submissions from 2 submitters: Likely pathogenic (2). Last evaluated 2025-11-10.

Conditions:
Hereditary fructosuria. Also called: Hereditary fructose intolerance; ALDOB DEFICIENCY; ALDOLASE B DEFICIENCY; FRUCTOSE-1,6-BISPHOSPHATE ALDOLASE B DEFICIENCY; FRUCTOSE-1-PHOSPHATE ALDOLASE DEFICIENCY; FRUCTOSEMIA. Identifiers: Orphanet 469, MedGen C0016751, MONDO:0009249, OMIM 229600, HP:0005973. Disease mechanism: loss of function.

Submissions (2):

Natera, Inc.
Classification: Likely pathogenic for Fructose intolerance. Last evaluated: 2025-11-10. Review status: criteria provided, single submitter. Criteria: Natera Variant Classification Schema (03/2026). Collection method: clinical testing. Allele origin: germline.
Comment: The c.214C>T variant in ALDOB is a nonsense variant predicted to introduce a stop codon at amino acid 72. This variant is expected to result in nonsense mediated decay, truncation, or a dysfunctional protein product. This variant is rare in the general population with a frequency below the threshold expected for the associated phenotype(s). Given the available evidence, this variant is classified as Likely Pathogenic.

Myriad Genetics, Inc.
Classification: Likely pathogenic for Hereditary fructosuria. Last evaluated: 2019-12-29. Review status: criteria provided, single submitter. Criteria: Myriad Women's Health Autosomal Recessive and X-Linked Classification Criteria (2019). Collection method: clinical testing. Allele origin: unknown.
Comment: NM_000035.3(ALDOB):c.214C>T(Q72*) is expected to be pathogenic in the context of hereditary fructose intolerance. This variant is predicted to lead to an abnormal or absent protein product due to the creation of a premature termination codon in ALDOB, a gene where loss-of-function variants are known to be pathogenic. Please note: this variant was assessed in the context of healthy population screening.

NM_000035.4(ALDOB):c.214C>T (p.Gln72Ter)

Gene: ALDOB (aldolase, fructose-bisphosphate B; minus strand). Cytogenetic location: 9q31.1.
Variant type: single nucleotide variant.
Coding change: c.214C>T on transcript NM_000035.4 (MANE Select); coding-DNA position 214, C replaced by T.
Protein change: p.Gln72Ter; replaces glutamine 72 with a stop codon.
Molecular consequence: nonsense.
Genome position (GRCh38, 1-based): chr9:101,429,865, G>A on the plus strand (C>T on the coding strand, the complement: ALDOB is on the minus strand). VCF-style: chr9-101429865-G-A. GRCh37 (hg19) VCF-style: chr9-104192147-G-A.
Other names: c.214C>T (NM_000035.3); short protein forms Q72*.
Identifiers: ClinVar variation 983979 (VCV000983979.4), dbSNP rs1831191030, ClinGen allele CA374265861.
Genomic context (GRCh38, chr9:101,429,865, plus strand): 5'-TTCCCTGGCTGTCCTTCTGGTAGAGGGTCTCGTGGAAAAGGATCACACCCCCGATGCTCT[G>A]GTTGATGGAACTGTCCACAGAGAAGAGGATTTCTCGGAACTGCCGGCGGTTCTCTTCAGT-3'